The following is an entry in ClinVar:

NM_001376.5(DYNC1H1):c.9542A>G (p.Asn3181Ser)

Gene: DYNC1H1 (dynein cytoplasmic 1 heavy chain 1; plus strand). Cytogenetic location: 14q32.31.
Variant type: single nucleotide variant.
Coding change: c.9542A>G on transcript NM_001376.5 (MANE Select); coding-DNA position 9542, A replaced by G.
Protein change: p.Asn3181Ser; replaces asparagine 3181 with serine.
Molecular consequence: missense variant.
Genome position (GRCh38, 1-based): chr14:102,029,612, A>G. VCF-style: chr14-102029612-A-G. GRCh37 (hg19) VCF-style: chr14-102495949-A-G.
Other names: short protein forms N3181S.
Identifiers: ClinVar variation 3360551 (VCV003360551.1).
Genomic context (GRCh38, chr14:102,029,612, plus strand): 5'-TAGCAAAGCGAGGCGGCAGAACGATGGCCATCACCCCTCGCCACTACCTGGACTTCATCA[A>G]TCACTATGCCAACCTGTTCCACGAGAAGCGGAGCGAGCTGGAGGAGCAGCAGATGCACTT-3'
Protein context (NP_001367.2, residues 3171-3191): ITPRHYLDFI[Asn3181Ser]HYANLFHEKR

ClinVar aggregate classification (germline): Uncertain significance (1 of 4 stars; one submission).

gnomAD v4.1: 6 of 1,614,210 alleles (0.00037%); highest among the groups gnomAD compares: Non-Finnish European, 0.00051%; no homozygotes.

Submission:

GeneDx
Classification: Uncertain significance. Last evaluated: 2023-06-28. Review status: criteria provided, single submitter. Criteria: GeneDx Variant Classification Process June 2021. Collection method: clinical testing. Allele origin: germline. Affected: yes.
Comment: Not observed at significant frequency in large population cohorts (gnomAD); In silico analysis supports that this missense variant has a deleterious effect on protein structure/function; Has not been previously published as pathogenic or benign to our knowledge